The following is an entry in ClinVar:

ClinVar aggregate classification (germline): Uncertain significance. Review status: criteria provided, multiple submitters, no conflicts (2 of 4 stars). 2 submissions from 2 submitters: Uncertain significance (2). Last evaluated 2024-03-24.

Conditions:
Cardiomyopathy (CMYO). Also called: Cardiomyopathies. Identifiers: Orphanet 167848, MedGen C0878544, MONDO:0004994, HP:0001638. Inheritance: Various modes of inheritance.
Catecholaminergic polymorphic ventricular tachycardia (CVPT). Also called: Catecholamine-induced polymorphic ventricular tachycardia. Identifiers: Orphanet 3286, MedGen C5574922, MONDO:0017990.

Allele frequency attached by ClinVar (database versions not stated): gnomAD exomes below 0.00001.
gnomAD v4.1: 1 of 1,613,726 alleles (0.000062%); highest among the groups gnomAD compares: African/African-American, 0.0013%; no homozygotes.

Submissions (2):

All of Us Research Program, National Institutes of Health
Classification: Uncertain significance for Catecholaminergic polymorphic ventricular tachycardia. Last evaluated: 2024-03-24. Review status: criteria provided, single submitter. Criteria: ACMG Guidelines, 2015. Collection method: clinical testing. Allele origin: germline. Inheritance: Autosomal dominant inheritance. Observed: 1 variant allele, 1 heterozygote.
Comment: This missense variant replaces threonine with alanine at codon 2105 of the RYR2 protein. Computational prediction suggests that this variant may not impact protein structure and function (internally defined REVEL score threshold <= 0.5, PMID: 27666373). To our knowledge, functional studies have not been reported for this variant. This variant has not been reported in individuals affected with RYR2-related disorders in the literature. This variant has not been identified in the general population by the Genome Aggregation Database (gnomAD). The available evidence is insufficient to determine the role of this variant in disease conclusively. Therefore, this variant is classified as a Variant of Uncertain Significance.

This study involves interpretation of variants in research participants for the purpose of population health screening. Participant phenotype was not available at the time of variant classification. Additional details can be found in publication PMID: 35346344, PMCID: PMC8962531

Color Diagnostics, LLC DBA Color Health
Classification: Uncertain significance for Cardiomyopathy. Last evaluated: 2024-02-20. Review status: criteria provided, single submitter. Criteria: ACMG Guidelines, 2015. Collection method: clinical testing. Allele origin: germline.
Comment: This missense variant replaces threonine with alanine at codon 2105 of the RYR2 protein. Computational prediction suggests that this variant may not impact protein structure and function (internally defined REVEL score threshold <= 0.5, PMID: 27666373). To our knowledge, functional studies have not been reported for this variant. This variant has not been reported in individuals affected with RYR2-related disorders in the literature. This variant has not been identified in the general population by the Genome Aggregation Database (gnomAD). The available evidence is insufficient to determine the role of this variant in disease conclusively. Therefore, this variant is classified as a Variant of Uncertain Significance.

NM_001035.3(RYR2):c.6313A>G (p.Thr2105Ala)

Gene: RYR2 (ryanodine receptor 2; plus strand). Cytogenetic location: 1q43.
Variant type: single nucleotide variant.
Coding change: c.6313A>G on transcript NM_001035.3 (MANE Select); coding-DNA position 6313, A replaced by G.
Protein change: p.Thr2105Ala; replaces threonine 2105 with alanine.
Molecular consequence: missense variant.
Genome position (GRCh38, 1-based): chr1:237,627,953, A>G. VCF-style: chr1-237627953-A-G. GRCh37 (hg19) VCF-style: chr1-237791253-A-G.
Other names: short protein forms T2105A.
Identifiers: ClinVar variation 2774320 (VCV002774320.3), dbSNP rs2546888804, ClinGen allele CA345411212.
Genomic context (GRCh38, chr1:237,627,953, plus strand): 5'-TTTGTGTTGCTCCATCGGCAGTATGACGGCATTGGGGGTCTTGTTCGGGCCCTGCCAAAG[A>G]CCTACACGATAAATGGTGTGTCCGTGGAGGACACCATCAACCTGCTGGCATCCCTTGGTC-3'
Protein context (NP_001026.2, residues 2095-2115): IGGLVRALPK[Thr2105Ala]YTINGVSVED